The following is an entry in ClinVar:

ClinVar aggregate classification (germline): Pathogenic (1 of 4 stars; one submission).

Submission:

Labcorp Genetics (formerly Invitae), Labcorp
Classification: Pathogenic. Last evaluated: 2022-09-28. Review status: criteria provided, single submitter. Criteria: Invitae Variant Classification Sherloc (09022015). Collection method: clinical testing. Allele origin: germline.
Comment: This sequence change creates a premature translational stop signal (p.Gln471*) in the ACAN gene. It is expected to result in an absent or disrupted protein product. Loss-of-function variants in ACAN are known to be pathogenic (PMID: 16080123, 24762113). This variant is not present in population databases (gnomAD no frequency). This premature translational stop signal has been observed in individual(s) with short stature (PMID: 32658585). Algorithms developed to predict the effect of sequence changes on RNA splicing suggest that this variant may create or strengthen a splice site. For these reasons, this variant has been classified as Pathogenic.

Literature cited by the submitters: PubMed 16080123; PubMed 24762113; PubMed 32658585.

NM_001369268.1(ACAN):c.1411C>T (p.Gln471Ter)

Gene: ACAN (aggrecan; plus strand). Cytogenetic location: 15q26.1.
Variant type: single nucleotide variant.
Coding change: c.1411C>T on transcript NM_001369268.1 (MANE Select); coding-DNA position 1411, C replaced by T.
Protein change: p.Gln471Ter; replaces glutamine 471 with a stop codon.
Molecular consequence: nonsense.
Genome position (GRCh38, 1-based): chr15:88,845,864, C>T. VCF-style: chr15-88845864-C-T. GRCh37 (hg19) VCF-style: chr15-89389095-C-T.
Other names: c.1411C>T, p.Gln471Ter (NM_001135.4, NM_001411096.1, NM_001411097.1 and 1 more transcripts); short protein forms Q471*.
Identifiers: ClinVar variation 1929461 (VCV001929461.3), dbSNP rs759209767, ClinGen allele CA393710294.